The following is an entry in ClinVar:

ClinVar aggregate classification (germline): Conflicting classifications of pathogenicity. Review status: criteria provided, conflicting classifications (1 of 4 stars). 2 submissions from 2 submitters: Uncertain significance (1); Likely benign (1). Last evaluated 2025-04-20.

Conditions:
Inborn genetic diseases. Identifiers: MedGen C0950123, MeSH D030342.

Allele frequency attached by ClinVar (database versions not stated): gnomAD exomes 0.00006; ExAC 0.00007; gnomAD 0.00011; TOPMed 0.00012; ESP Exome Variant Server 0.00023.

Submissions (2):

Ambry Genetics
Classification: Likely benign for Inborn genetic diseases. Last evaluated: 2025-04-20. Review status: criteria provided, single submitter. Criteria: Ambry Variant Classification Scheme 2023. Collection method: clinical testing. Allele origin: germline.

Labcorp Genetics (formerly Invitae), Labcorp
Classification: Uncertain significance. Last evaluated: 2024-09-17. Review status: criteria provided, single submitter. Criteria: Invitae Variant Classification Sherloc (09022015). Collection method: clinical testing. Allele origin: germline.
Comment: This sequence change replaces histidine, which is basic and polar, with asparagine, which is neutral and polar, at codon 470 of the FAM111A protein (p.His470Asn). The frequency data for this variant in the population databases is considered unreliable, as metrics indicate poor data quality at this position in the gnomAD database. This variant has not been reported in the literature in individuals affected with FAM111A-related conditions. ClinVar contains an entry for this variant (Variation ID: 2156668). Invitae Evidence Modeling of protein sequence and biophysical properties (such as structural, functional, and spatial information, amino acid conservation, physicochemical variation, residue mobility, and thermodynamic stability) indicates that this missense variant is not expected to disrupt FAM111A protein function with a negative predictive value of 80%. In summary, the available evidence is currently insufficient to determine the role of this variant in disease. Therefore, it has been classified as a Variant of Uncertain Significance.

NM_001312909.2(FAM111A):c.1408C>A (p.His470Asn)

Gene: FAM111A (FAM111 trypsin like peptidase A; plus strand). Cytogenetic location: 11q12.1.
Variant type: single nucleotide variant.
Coding change: c.1408C>A on transcript NM_001312909.2 (MANE Select); coding-DNA position 1408, C replaced by A.
Protein change: p.His470Asn; replaces histidine 470 with asparagine.
Molecular consequence: missense variant.
Genome position (GRCh38, 1-based): chr11:59,153,076, C>A. VCF-style: chr11-59153076-C-A. GRCh37 (hg19) VCF-style: chr11-58920549-C-A.
Other names: c.1408C>A, p.His470Asn (NM_001142519.3, NM_001142520.3, NM_001142521.3 and 29 more transcripts); c.1408C>A (NM_001142520.1); short protein forms H470N.
Identifiers: ClinVar variation 2156668 (VCV002156668.5), dbSNP rs147361273, ClinGen allele CA6016763.
Genomic context (GRCh38, chr11:59,153,076, plus strand): 5'-CAACAAGTACCTATGGAACTATATAATGGAATTACTCCTGTGCCACTTAGTGGGTTGATA[C>A]ATATTATTGGCCATCCATATGGAGAAAAAAAGCAGATTGATGCTTGTGCTGTGATCCCTC-3'
Protein context (NP_001299838.1, residues 460-480): ITPVPLSGLI[His470Asn]IIGHPYGEKK